The following is an entry in ClinVar:

ClinVar aggregate classification (germline): Uncertain significance (1 of 4 stars; one submission).

gnomAD v4.1: 7 of 1,531,260 alleles (0.00046%); highest among the groups gnomAD compares: South Asian, 0.0012%; no homozygotes.

Submission:

Labcorp Genetics (formerly Invitae), Labcorp
Classification: Uncertain significance. Last evaluated: 2025-07-09. Review status: criteria provided, single submitter. Criteria: Invitae Variant Classification Sherloc (09022015). Collection method: clinical testing. Allele origin: germline.
Comment: This sequence change replaces glutamine, which is neutral and polar, with glutamic acid, which is acidic and polar, at codon 219 of the OBSL1 protein (p.Gln219Glu). This variant is not present in population databases (gnomAD no frequency). This variant has not been reported in the literature in individuals affected with OBSL1-related conditions. An algorithm developed to predict the effect of missense changes on protein structure and function (PolyPhen-2) suggests that this variant is likely to be tolerated. In summary, the available evidence is currently insufficient to determine the role of this variant in disease. Therefore, it has been classified as a Variant of Uncertain Significance.

NM_015311.3(OBSL1):c.655C>G (p.Gln219Glu)

Gene: OBSL1 (obscurin like cytoskeletal adaptor 1; minus strand). Cytogenetic location: 2q35.
Variant type: single nucleotide variant.
Coding change: c.655C>G on transcript NM_015311.3 (MANE Select); coding-DNA position 655, C replaced by G.
Protein change: p.Gln219Glu; replaces glutamine 219 with glutamic acid.
Molecular consequence: missense variant.
Genome position (GRCh38, 1-based): chr2:219,570,578, G>C on the plus strand (C>G on the coding strand, the complement: OBSL1 is on the minus strand). VCF-style: chr2-219570578-G-C. GRCh37 (hg19) VCF-style: chr2-220435300-G-C.
Other names: c.655C>G, p.Gln219Glu (NM_001173408.2, NM_001173431.2); short protein forms Q219E.
Identifiers: ClinVar variation 4747136 (VCV004747136.1).